The following is an entry in ClinVar:

NM_015178.3(RHOBTB2):c.1221C>T (p.Tyr407=)

Gene: RHOBTB2 (Rho related BTB domain containing 2; plus strand). Cytogenetic location: 8p21.3.
Variant type: single nucleotide variant.
Coding change: c.1221C>T on transcript NM_015178.3 (MANE Select); coding-DNA position 1221, C replaced by T.
Protein change: p.Tyr407=; no amino-acid change (tyrosine 407 retained).
Molecular consequence: synonymous variant.
Genome position (GRCh38, 1-based): chr8:23,007,466, C>T. VCF-style: chr8-23007466-C-T. GRCh37 (hg19) VCF-style: chr8-22864979-C-T.
Other names: c.1287C>T, p.Tyr429= (NM_001160036.2); c.1242C>T, p.Tyr414= (NM_001160037.2); c.1221C>T, p.Tyr407= (NM_001374791.1).
Identifiers: ClinVar variation 4873411 (VCV004873411.2).

ClinVar aggregate classification (germline): Likely benign (1 of 4 stars; one submission).

Submission:

CeGaT Center for Human Genetics Tuebingen
Classification: Likely benign. Last evaluated: 2026-05-01. Review status: criteria provided, single submitter. Criteria: CeGaT Center For Human Genetics Tuebingen Variant Classification Criteria Version 2. Collection method: clinical testing. Allele origin: germline. Affected: yes. Observed: 1 variant allele.
Comment: RHOBTB2: PM2:Supporting, BP4, BP7